The following is an entry in ClinVar:

ClinVar aggregate classification (germline): Pathogenic (1 of 4 stars; one submission).

Conditions:
Ullrich congenital muscular dystrophy 1B (UCMD1B). Identifiers: MedGen C5935582, MONDO:0958235, OMIM 620727.

Submission:

Institute of Human Genetics, University of Leipzig Medical Center
Classification: Pathogenic for Ullrich congenital muscular dystrophy 1B. Last evaluated: 2025-09-30. Review status: criteria provided, single submitter. Criteria: ACMG Guidelines, 2015. Collection method: clinical testing. Allele origin: de novo. Inheritance: Autosomal dominant inheritance. Affected: yes.
Comment: Criteria applied: PM1,PM2,PP3,PS1,PS2_MOD

NM_001849.4(COL6A2):c.801G>C (p.Lys267Asn)

Gene: COL6A2 (collagen type VI alpha 2 chain; plus strand). Cytogenetic location: 21q22.3.
Variant type: single nucleotide variant.
Coding change: c.801G>C on transcript NM_001849.4 (MANE Select); coding-DNA position 801, G replaced by C.
Protein change: p.Lys267Asn; replaces lysine 267 with asparagine.
Molecular consequence: missense variant.
Genome position (GRCh38, 1-based): chr21:46,114,073, G>C. VCF-style: chr21-46114073-G-C. GRCh37 (hg19) VCF-style: chr21-47533987-G-C.
Other names: c.801G>C, p.Lys267Asn (NM_058174.3, NM_058175.3); short protein forms K267N.
Identifiers: ClinVar variation 4291124 (VCV004291124.1).